The following is an entry in ClinVar:

NM_001283009.2(RTEL1):c.2387T>A (p.Val796Asp)

Genes: RTEL1 (regulator of telomere elongation helicase 1; plus strand), RTEL1-TNFRSF6B (RTEL1-TNFRSF6B readthrough (NMD candidate); plus strand). Cytogenetic location: 20q13.33.
Variant type: single nucleotide variant.
Coding change: c.2387T>A on transcript NM_001283009.2 (MANE Select); coding-DNA position 2387, T replaced by A.
Protein change: p.Val796Asp; replaces valine 796 with aspartic acid.
Molecular consequence: missense variant. On other transcripts: non-coding transcript variant (1).
Genome position (GRCh38, 1-based): chr20:63,690,415, T>A. VCF-style: chr20-63690415-T-A. GRCh37 (hg19) VCF-style: chr20-62321768-T-A.
Other names: c.1718T>A, p.Val573Asp (NM_001283010.1); c.2387T>A, p.Val796Asp (NM_016434.4); c.2459T>A, p.Val820Asp (NM_032957.5); short protein forms V573D, V796D, V820D.
Identifiers: ClinVar variation 1715559 (VCV001715559.6), dbSNP rs2517141197, ClinGen allele CA409681182.
Genomic context (GRCh38, chr20:63,690,415, plus strand): 5'-AGGCCAAGTCGCCTGGCCCCTTCTTCTCCACCAGGAAAGCTAAGAGTCTGGACCTGCATG[T>A]CCCCAGCCTGAAGCAGAGGTCCTCAGGTGCGGACGGGCAGCGCTGGGTGGGCGGTGTGGG-3'
Protein context (NP_001269938.1, residues 786-806): TRKAKSLDLH[Val796Asp]PSLKQRSSGS

ClinVar aggregate classification (germline): Uncertain significance (1 of 4 stars; one submission).

Conditions:
Dyskeratosis congenita, autosomal recessive 5 (DKCB5). Identifiers: MedGen C3554656, MONDO:0014076, OMIM 615190.
Pulmonary fibrosis and/or bone marrow failure, Telomere-related, 3. Also called: PULMONARY FIBROSIS AND/OR BONE MARROW FAILURE SYNDROME, TELOMERE-RELATED, 3. Identifiers: Orphanet 2032, MedGen C4225346, MONDO:0014613, OMIM 616373.

Submission:

Labcorp Genetics (formerly Invitae), Labcorp
Classification: Uncertain significance for Dyskeratosis congenita, autosomal recessive 5; Pulmonary fibrosis and/or bone marrow failure, Telomere-related, 3. Last evaluated: 2022-08-07. Review status: criteria provided, single submitter. Criteria: Invitae Variant Classification Sherloc (09022015). Collection method: clinical testing. Allele origin: germline.
Comment: This sequence change replaces valine, which is neutral and non-polar, with aspartic acid, which is acidic and polar, at codon 796 of the RTEL1 protein (p.Val796Asp). This variant is not present in population databases (gnomAD no frequency). This variant has not been reported in the literature in individuals affected with RTEL1-related conditions. Algorithms developed to predict the effect of missense changes on protein structure and function are either unavailable or do not agree on the potential impact of this missense change (SIFT: "Deleterious"; PolyPhen-2: "Probably Damaging"; Align-GVGD: "Class C0"). In summary, the available evidence is currently insufficient to determine the role of this variant in disease. Therefore, it has been classified as a Variant of Uncertain Significance.